The following is an entry in ClinVar:

ClinVar aggregate classification (germline): Conflicting classifications of pathogenicity. Review status: criteria provided, conflicting classifications (1 of 4 stars). 4 submissions from 4 submitters: Uncertain significance (1); Likely benign (1). 2 of the submissions do not count toward it. Last evaluated 2025-07-23.

Conditions:
PKHD1-related disorder. Also called: PKHD1-related condition.
Autosomal recessive polycystic kidney disease (ARPKD). Also called: AR polycystic kidney disease. Identifiers: Orphanet 731, Orphanet 8378, MedGen C0085548, MeSH D017044, MONDO:0009889.

Allele frequency attached by ClinVar (database versions not stated): ExAC 0.00001; TOPMed 0.00001; gnomAD exomes 0.00002 and 0.00005.
gnomAD v4.1: 14 of 1,613,406 alleles (0.00087%); highest among the groups gnomAD compares: Admixed American, 0.023%; no homozygotes.

Submissions (4):

Labcorp Genetics (formerly Invitae), Labcorp
Classification: Likely benign for Autosomal recessive polycystic kidney disease. Last evaluated: 2025-07-23. Review status: criteria provided, single submitter. Criteria: Invitae Variant Classification Sherloc (09022015). Collection method: clinical testing. Allele origin: germline.

Eurofins Ntd Llc (ga)
Classification: Uncertain significance. Last evaluated: 2017-04-20. Review status: criteria provided, single submitter. Criteria: EGL Classification Definitions 2015. Collection method: clinical testing. Allele origin: germline. Observed: 1 variant allele, 1 heterozygote.

PreventionGenetics, part of Exact Sciences
Classification: Likely benign for PKHD1-related condition. Last evaluated: 2021-12-14. Review status: no assertion criteria provided. Collection method: clinical testing. Allele origin: germline. Not counted in ClinVar's aggregate classification.
Comment: This variant is classified as likely benign based on ACMG/AMP sequence variant interpretation guidelines (Richards et al. 2015 PMID: 25741868, with internal and published modifications).

Natera, Inc.
Classification: Likely benign for Autosomal recessive polycystic kidney disease. Last evaluated: 2020-09-16. Review status: no assertion criteria provided. Collection method: clinical testing. Allele origin: germline. Not counted in ClinVar's aggregate classification.

NM_138694.4(PKHD1):c.11607C>T (p.Ala3869=)

Gene: PKHD1 (PKHD1 ciliary IPT domain containing fibrocystin/polyductin; minus strand). Cytogenetic location: 6p12.3.
Variant type: single nucleotide variant.
Coding change: c.11607C>T on transcript NM_138694.4 (MANE Select); coding-DNA position 11607, C replaced by T.
Protein change: p.Ala3869=; no amino-acid change (alanine 3869 retained).
Molecular consequence: synonymous variant.
Genome position (GRCh38, 1-based): chr6:51,632,623, G>A on the plus strand (C>T on the coding strand, the complement: PKHD1 is on the minus strand). VCF-style: chr6-51632623-G-A. GRCh37 (hg19) VCF-style: chr6-51497421-G-A.
Identifiers: ClinVar variation 501609 (VCV000501609.18), dbSNP rs752509045, ClinGen allele CA3850780.